The following is an entry in ClinVar:

ClinVar aggregate classification (germline): Uncertain significance (1 of 4 stars; one submission).

Allele frequency attached by ClinVar (database versions not stated): gnomAD 0.00001.
gnomAD v4.1: 2 of 1,614,128 alleles (0.00012%); highest among the groups gnomAD compares: African/African-American, 0.0013%; no homozygotes.

Submission:

Labcorp Genetics (formerly Invitae), Labcorp
Classification: Uncertain significance. Last evaluated: 2023-06-05. Review status: criteria provided, single submitter. Criteria: Invitae Variant Classification Sherloc (09022015). Collection method: clinical testing. Allele origin: germline.
Comment: This variant is present in population databases (no rsID available, gnomAD 0.01%). In summary, the available evidence is currently insufficient to determine the role of this variant in disease. Therefore, it has been classified as a Variant of Uncertain Significance. Advanced modeling of protein sequence and biophysical properties (such as structural, functional, and spatial information, amino acid conservation, physicochemical variation, residue mobility, and thermodynamic stability) performed at Invitae indicates that this missense variant is not expected to disrupt PDZD7 protein function. This variant has not been reported in the literature in individuals affected with PDZD7-related conditions. This sequence change replaces arginine, which is basic and polar, with glutamine, which is neutral and polar, at codon 476 of the PDZD7 protein (p.Arg476Gln).

NM_001195263.2(PDZD7):c.1427G>A (p.Arg476Gln)

Gene: PDZD7 (PDZ domain containing 7; minus strand). Cytogenetic location: 10q24.31.
Variant type: single nucleotide variant.
Coding change: c.1427G>A on transcript NM_001195263.2 (MANE Select); coding-DNA position 1427, G replaced by A.
Protein change: p.Arg476Gln; replaces arginine 476 with glutamine.
Molecular consequence: missense variant. On other transcripts: synonymous variant (1).
Genome position (GRCh38, 1-based): chr10:101,018,194, C>T on the plus strand (G>A on the coding strand, the complement: PDZD7 is on the minus strand). VCF-style: chr10-101018194-C-T. GRCh37 (hg19) VCF-style: chr10-102777951-C-T.
Other names: c.1455G>A, p.Ala485= (NM_001351044.2); c.1427G>A, p.Arg476Gln (NM_024895.5); short protein forms R476Q.
Identifiers: ClinVar variation 2973804 (VCV002973804.3), dbSNP rs1280166252, ClinGen allele CA378228073.